The following is an entry in ClinVar:

NM_000528.4(MAN2B1):c.639C>G (p.Phe213Leu)

Gene: MAN2B1 (mannosidase alpha class 2B member 1; minus strand). Cytogenetic location: 19p13.13.
Variant type: single nucleotide variant.
Coding change: c.639C>G on transcript NM_000528.4 (MANE Select); coding-DNA position 639, C replaced by G.
Protein change: p.Phe213Leu; replaces phenylalanine 213 with leucine.
Molecular consequence: missense variant.
Genome position (GRCh38, 1-based): chr19:12,663,827, G>C on the plus strand (C>G on the coding strand, the complement: MAN2B1 is on the minus strand). VCF-style: chr19-12663827-G-C. GRCh37 (hg19) VCF-style: chr19-12774641-G-C.
Other names: c.639C>G, p.Phe213Leu (NM_001173498.2); short protein forms F213L.
Identifiers: ClinVar variation 2129141 (VCV002129141.4), dbSNP rs886054233, ClinGen allele CA404253088.

ClinVar aggregate classification (germline): Uncertain significance (1 of 4 stars; one submission).

Conditions:
Deficiency of alpha-mannosidase (MANSA). Also called: Mannosidosis, alpha-, types I and II; Alpha-Mannosidosis; LYSOSOMAL ALPHA-D-MANNOSIDASE DEFICIENCY. Identifiers: Orphanet 61, MedGen C0024748, MONDO:0009561, OMIM 248500.

Submission:

Labcorp Genetics (formerly Invitae), Labcorp
Classification: Uncertain significance for Deficiency of alpha-mannosidase. Last evaluated: 2025-06-04. Review status: criteria provided, single submitter. Criteria: Invitae Variant Classification Sherloc (09022015). Collection method: clinical testing. Allele origin: germline.
Comment: This sequence change replaces phenylalanine, which is neutral and non-polar, with leucine, which is neutral and non-polar, at codon 213 of the MAN2B1 protein (p.Phe213Leu). This variant is not present in population databases (gnomAD no frequency). This variant has not been reported in the literature in individuals affected with MAN2B1-related conditions. ClinVar contains an entry for this variant (Variation ID: 2129141). Invitae Evidence Modeling of protein sequence and biophysical properties (such as structural, functional, and spatial information, amino acid conservation, physicochemical variation, residue mobility, and thermodynamic stability) indicates that this missense variant is not expected to disrupt MAN2B1 protein function with a negative predictive value of 95%. In summary, the available evidence is currently insufficient to determine the role of this variant in disease. Therefore, it has been classified as a Variant of Uncertain Significance.